The following is an entry in ClinVar:

ClinVar aggregate classification (germline): Conflicting classifications of pathogenicity. Review status: criteria provided, conflicting classifications (1 of 4 stars). 10 submissions from 10 submitters: Uncertain significance (1); Likely benign (7). 2 of the submissions do not count toward it. Last evaluated 2026-07-01.

Conditions:
Spinocerebellar ataxia 42, early-onset, severe, with neurodevelopmental deficits. Identifiers: MedGen C4748120, MONDO:0060758, OMIM 618087.
CACNA1G-related disorder. Also called: CACNA1G-related disorders; CACNA1G-related condition.
Inborn genetic diseases. Identifiers: MedGen C0950123, MeSH D030342.

Allele frequency attached by ClinVar (database versions not stated): 1000 Genomes Project 30x 0.00016; 1000 Genomes Project 0.00020; ESP Exome Variant Server 0.00032; gnomAD 0.00039 and 0.00043; TOPMed 0.00045.
gnomAD v4.1: 693 of 1,613,302 alleles (0.043%); highest among the groups gnomAD compares: Middle Eastern, 1.8%; 4 homozygotes.

Submissions (10):

CeGaT Center for Human Genetics Tuebingen
Classification: Likely benign. Last evaluated: 2026-07-01. Review status: criteria provided, single submitter. Criteria: CeGaT Center For Human Genetics Tuebingen Variant Classification Criteria Version 2. Collection method: clinical testing. Allele origin: germline. Affected: yes. Observed: 7 variant alleles.
Comment: CACNA1G: BS1

Ambry Genetics
Classification: Likely benign for Inborn genetic diseases. Last evaluated: 2026-03-30. Review status: criteria provided, single submitter. Criteria: Ambry Variant Classification Scheme 2023. Collection method: clinical testing. Allele origin: germline.

Labcorp Genetics (formerly Invitae), Labcorp
Classification: Likely benign. Last evaluated: 2026-01-12. Review status: criteria provided, single submitter. Criteria: Invitae Variant Classification Sherloc (09022015). Collection method: clinical testing. Allele origin: germline.

PreventionGenetics, part of Exact Sciences
Classification: Likely benign for CACNA1G-related condition. Last evaluated: 2025-11-06. Review status: criteria provided, single submitter. Criteria: ACMG Guidelines, 2015. Collection method: clinical testing. Allele origin: germline.
Comment: This variant is classified as likely benign based on ACMG/AMP sequence variant interpretation guidelines (Richards et al. 2015 PMID: 25741868, with internal and published modifications).

Mayo Clinic Laboratories, Mayo Clinic
Classification: Likely benign. Last evaluated: 2025-08-19. Review status: criteria provided, single submitter. Criteria: ACMG Guidelines, 2015. Collection method: clinical testing. Allele origin: germline. Observed: 1 variant allele.
Comment: BS1

Genomic Medicine Center of Excellence, King Faisal Specialist Hospital and Research Centre
Classification: Likely benign for Spinocerebellar ataxia 42, early-onset, severe, with neurodevelopmental deficits. Last evaluated: 2025-07-30. Review status: criteria provided, single submitter. Criteria: ACMG Guidelines, 2015. Collection method: clinical testing. Allele origin: germline.

Blueprint Genetics
Classification: Likely benign. Last evaluated: 2024-10-14. Review status: criteria provided, single submitter. Criteria: ACMG Guidelines, 2015. Collection method: clinical testing. Allele origin: germline.

GeneDx
Classification: Uncertain significance. Last evaluated: 2015-03-13. Review status: criteria provided, single submitter. Criteria: GeneDx Variant Classification (06012015). Collection method: clinical testing. Allele origin: germline. Affected: yes.
Comment: The P2237H variant in the CACNA1G gene has not been published as a pathogenic variant, nor has it been reported as a benign polymorphism to our knowledge. The P2237H variant was not observed with a significant frequency in approximately 6,100 individuals of European and African American ancestry in the NHLBI Exome Sequencing Project; however, data from ethnically-matched control individuals were not available to assess for a population-specific benign variant. The P2237H variant is a non-conservative amino acid substitution, which is likely to impact secondary protein structure as these residues differ in polarity, charge, size and/or other properties. This substitution occurs at a position that is not conserved across species. In silico analysis is inconsistent in its predictions as to whether or not the variant is damaging to the protein structure/function. We interpret P2237H as a variant of unknown significance.

Clinical Genetics DNA and cytogenetics Diagnostics Lab, Erasmus MC, Erasmus Medical Center
Classification: Likely benign. Review status: no assertion criteria provided. Collection method: clinical testing. Allele origin: germline. Affected: yes. Study: VKGL Data-share Consensus. Not counted in ClinVar's aggregate classification.

Laboratory of Diagnostic Genome Analysis, Leiden University Medical Center (LUMC)
Classification: Likely benign. Review status: no assertion criteria provided. Collection method: clinical testing. Allele origin: germline. Affected: yes. Study: VKGL Data-share Consensus. Not counted in ClinVar's aggregate classification.

NM_018896.5(CACNA1G):c.6710C>A (p.Pro2237His)

Gene: CACNA1G (calcium voltage-gated channel subunit alpha1 G; plus strand). Cytogenetic location: 17q21.33.
Variant type: single nucleotide variant.
Coding change: c.6710C>A on transcript NM_018896.5 (MANE Select); coding-DNA position 6710, C replaced by A.
Protein change: p.Pro2237His; replaces proline 2237 with histidine.
Molecular consequence: missense variant. On other transcripts: non-coding transcript variant (5).
Genome position (GRCh38, 1-based): chr17:50,626,327, C>A. VCF-style: chr17-50626327-C-A. GRCh37 (hg19) VCF-style: chr17-48703688-C-A.
Other names: p.Pro2237His; c.6710C>A (NM_018896.3); c.6521C>A, p.Pro2174His (NM_001256324.2); c.6452C>A, p.Pro2151His (NM_001256325.2); c.6440C>A, p.Pro2147His (NM_001256326.2); c.6410C>A, p.Pro2137His (NM_001256327.2); c.6356C>A, p.Pro2119His (NM_001256328.2); c.6329C>A, p.Pro2110His (NM_001256329.2, NM_198387.3); and 20 more; short protein forms P2237H, P2065H, P2092H, P2119H, P2133H, P2147H, P2174H, P2226H.
Identifiers: ClinVar variation 279724 (VCV000279724.40), dbSNP rs200141555, ClinGen allele CA8653713.
Genomic context (GRCh38, chr17:50,626,327, plus strand): 5'-TGGACACGGAGCTGAGCTGGATTTCAGGAGACCTCCTGCCCCCTGGCGGCCAGGAGGAGC[C>A]CCCATCCCCACGGGACCTGAAGAAGTGCTACAGCGTGGAGGCCCAGAGCTGCCAGCGCCG-3'
Protein context (NP_061496.2, residues 2227-2247): DLLPPGGQEE[Pro2237His]PSPRDLKKCY